The following is an entry in ClinVar:

ClinVar aggregate classification (germline): Uncertain significance. Review status: criteria provided, multiple submitters, no conflicts (2 of 4 stars). 3 submissions from 3 submitters: Uncertain significance (3). Last evaluated 2025-05-05.

Conditions:
Inborn genetic diseases. Identifiers: MedGen C0950123, MeSH D030342.
Pyridoxine-dependent epilepsy (EPEO4). Also called: Pyridoxine-Dependent Seizures; Pyridoxine-Dependent Epilepsy - ALDH7A1; PYRIDOXINE DEPENDENCY WITH SEIZURES; EPILEPSY, EARLY-ONSET, 4, VITAMIN B6-DEPENDENT. Identifiers: Orphanet 3006, MedGen C1849508, MONDO:0009945, OMIM 266100. Disease mechanism: loss of function.

Submissions (3):

Ambry Genetics
Classification: Uncertain significance for Inborn genetic diseases. Last evaluated: 2025-05-05. Review status: criteria provided, single submitter. Criteria: Ambry Variant Classification Scheme 2023. Collection method: clinical testing. Allele origin: germline.

Labcorp Genetics (formerly Invitae), Labcorp
Classification: Uncertain significance for Pyridoxine-dependent epilepsy. Last evaluated: 2024-04-05. Review status: criteria provided, single submitter. Criteria: Invitae Variant Classification Sherloc (09022015). Collection method: clinical testing. Allele origin: germline.
Comment: This sequence change replaces methionine, which is neutral and non-polar, with valine, which is neutral and non-polar, at codon 380 of the ALDH7A1 protein (p.Met380Val). This variant is not present in population databases (gnomAD no frequency). This variant has not been reported in the literature in individuals affected with ALDH7A1-related conditions. ClinVar contains an entry for this variant (Variation ID: 1021674). Advanced modeling of protein sequence and biophysical properties (such as structural, functional, and spatial information, amino acid conservation, physicochemical variation, residue mobility, and thermodynamic stability) has been performed at Invitae for this missense variant, however the output from this modeling did not meet the statistical confidence thresholds required to predict the impact of this variant on ALDH7A1 protein function. In summary, the available evidence is currently insufficient to determine the role of this variant in disease. Therefore, it has been classified as a Variant of Uncertain Significance.

Genome-Nilou Lab
Classification: Uncertain significance for Pyridoxine-dependent epilepsy. Last evaluated: 2023-04-11. Review status: criteria provided, single submitter. Criteria: ACMG Guidelines, 2015. Collection method: clinical testing. Allele origin: germline. Affected: no.

NM_001182.5(ALDH7A1):c.1138A>G (p.Met380Val)

Gene: ALDH7A1 (aldehyde dehydrogenase 7 family member A1; minus strand). Cytogenetic location: 5q23.2.
Variant type: single nucleotide variant.
Coding change: c.1138A>G on transcript NM_001182.5 (MANE Select); coding-DNA position 1138, A replaced by G.
Protein change: p.Met380Val; replaces methionine 380 with valine.
Molecular consequence: missense variant. On other transcripts: intron variant (1).
Genome position (GRCh38, 1-based): chr5:126,554,349, T>C on the plus strand (A>G on the coding strand, the complement: ALDH7A1 is on the minus strand). VCF-style: chr5-126554349-T-C. GRCh37 (hg19) VCF-style: chr5-125890041-T-C.
Other names: c.1054A>G, p.Met352Val (NM_001201377.2); c.1009-2212A>G (NM_001202404.2); c.1138A>G (NM_001182.4); short protein forms M352V, M380V.
Identifiers: ClinVar variation 1021674 (VCV001021674.14), dbSNP rs1750106169, ClinGen allele CA360723868.
Genomic context (GRCh38, chr5:126,554,349, plus strand): 5'-TGCCCCCATAGACCACTGTGCCACCTTCTTTCTTTGCTTCTTCCACTGCTCCAAGAAACA[T>C]GCTCACTGCCTGCTTGGTGTGGAGTGGCCCATAGAGAACATTAGCTGGAGAGAGAAAAGG-3'
Protein context (NP_001173.2, residues 370-390): GPLHTKQAVS[Met380Val]FLGAVEEAKK